The following is an entry in ClinVar:

ClinVar aggregate classification (germline): Uncertain significance (1 of 4 stars; one submission).

gnomAD v4.1: 3 of 1,613,488 alleles (0.00019%); highest among the groups gnomAD compares: African/African-American, 0.004%; no homozygotes.

Submission:

Labcorp Genetics (formerly Invitae), Labcorp
Classification: Uncertain significance. Last evaluated: 2022-10-19. Review status: criteria provided, single submitter. Criteria: Invitae Variant Classification Sherloc (09022015). Collection method: clinical testing. Allele origin: germline.
Comment: This sequence change replaces serine, which is neutral and polar, with threonine, which is neutral and polar, at codon 438 of the TMPRSS15 protein (p.Ser438Thr). This variant is not present in population databases (gnomAD no frequency). This variant has not been reported in the literature in individuals affected with TMPRSS15-related conditions. Algorithms developed to predict the effect of missense changes on protein structure and function are either unavailable or do not agree on the potential impact of this missense change (SIFT: "Not Available"; PolyPhen-2: "Benign"; Align-GVGD: "Not Available"). In summary, the available evidence is currently insufficient to determine the role of this variant in disease. Therefore, it has been classified as a Variant of Uncertain Significance.

NM_002772.3(TMPRSS15):c.1313G>C (p.Ser438Thr)

Gene: TMPRSS15 (transmembrane serine protease 15; minus strand). Cytogenetic location: 21q21.1.
Variant type: single nucleotide variant.
Coding change: c.1313G>C on transcript NM_002772.3 (MANE Select); coding-DNA position 1313, G replaced by C.
Protein change: p.Ser438Thr; replaces serine 438 with threonine.
Molecular consequence: missense variant.
Genome position (GRCh38, 1-based): chr21:18,343,621, C>G on the plus strand (G>C on the coding strand, the complement: TMPRSS15 is on the minus strand). VCF-style: chr21-18343621-C-G. GRCh37 (hg19) VCF-style: chr21-19715938-C-G.
Other names: short protein forms S438T.
Identifiers: ClinVar variation 1721728 (VCV001721728.5), dbSNP rs762171433, ClinGen allele CA409850879.